The following is an entry in ClinVar:

NM_004694.5(SLC16A6):c.549C>T (p.Leu183=)

Genes: ARSG (arylsulfatase G; plus strand), SLC16A6 (solute carrier family 16 member 6; minus strand). Cytogenetic location: 17q24.2.
Variant type: single nucleotide variant.
Coding change: c.549C>T on transcript NM_004694.5 (MANE Select); coding-DNA position 549, C replaced by T.
Protein change: p.Leu183=; no amino-acid change (leucine 183 retained).
Molecular consequence: synonymous variant. On other transcripts: intron variant (3).
Genome position (GRCh38, 1-based): chr17:68,271,611, G>A on the plus strand (C>T on the coding strand, the complement: SLC16A6 is on the minus strand). VCF-style: chr17-68271611-G-A. GRCh37 (hg19) VCF-style: chr17-66267752-G-A.
Other names: c.549C>T, p.Leu183= (NM_001174166.2); c.-552+12185G>A (NM_001352904.2, NM_014960.5, NM_001352903.2).
Identifiers: ClinVar variation 2648150 (VCV002648150.22), dbSNP rs62087130, ClinGen allele CA8727931.

ClinVar aggregate classification (germline): Likely benign (1 of 4 stars; one submission).

Allele frequency attached by ClinVar (database versions not stated): 1000 Genomes Project 30x 0.00047; gnomAD 0.00378; gnomAD exomes 0.00603; TOPMed 0.00402; ESP Exome Variant Server 0.00546; 1000 Genomes Project 0.00020; ExAC 0.00495.
gnomAD v4.1: 9,378 of 1,613,962 alleles (0.58%); highest among the groups gnomAD compares: Non-Finnish European, 0.73%; 39 homozygotes.

Submission:

CeGaT Center for Human Genetics Tuebingen
Classification: Likely benign. Last evaluated: 2026-10-01. Review status: criteria provided, single submitter. Criteria: CeGaT Center For Human Genetics Tuebingen Variant Classification Criteria Version 2. Collection method: clinical testing. Allele origin: germline. Affected: yes. Observed: 8 variant alleles.
Comment: SLC16A6: BP4, BP7, BS2